The following is an entry in ClinVar:

ClinVar aggregate classification (germline): Uncertain significance (1 of 4 stars; one submission).

Conditions:
Immunodeficiency. Identifiers: MedGen C0021051, MONDO:0021094, HP:0002721.

Submission:

Labcorp Genetics (formerly Invitae), Labcorp
Classification: Uncertain significance for Immunodeficiency. Last evaluated: 2021-10-22. Review status: criteria provided, single submitter. Criteria: Invitae Variant Classification Sherloc (09022015). Collection method: clinical testing. Allele origin: germline.
Comment: Algorithms developed to predict the effect of missense changes on protein structure and function are either unavailable or do not agree on the potential impact of this missense change (SIFT: "Deleterious"; PolyPhen-2: "Benign"; Align-GVGD: "Class C35"). This variant has not been reported in the literature in individuals affected with NFAT5-related conditions. This variant is not present in population databases (ExAC no frequency). This sequence change replaces asparagine with isoleucine at codon 410 of the NFAT5 protein (p.Asn410Ile). The asparagine residue is highly conserved and there is a large physicochemical difference between asparagine and isoleucine. In summary, the available evidence is currently insufficient to determine the role of this variant in disease. Therefore, it has been classified as a Variant of Uncertain Significance.

NM_138713.4(NFAT5):c.1511A>T (p.Asn504Ile)

Gene: NFAT5 (nuclear factor of activated T cells 5; plus strand). Cytogenetic location: 16q22.1.
Variant type: single nucleotide variant.
Coding change: c.1511A>T on transcript NM_138713.4 (MANE Select); coding-DNA position 1511, A replaced by T.
Protein change: p.Asn504Ile; replaces asparagine 504 with isoleucine.
Molecular consequence: missense variant.
Genome position (GRCh38, 1-based): chr16:69,670,242, A>T. VCF-style: chr16-69670242-A-T. GRCh37 (hg19) VCF-style: chr16-69704145-A-T.
Other names: c.1511A>T, p.Asn504Ile (NM_001113178.3); c.839A>T, p.Asn280Ile (NM_001367709.1); c.1457A>T, p.Asn486Ile (NM_006599.4); c.1229A>T, p.Asn410Ile (NM_138714.4, NM_173214.3, NM_173215.3); short protein forms N280I, N504I, N410I, N486I.
Identifiers: ClinVar variation 1346349 (VCV001346349.6), dbSNP rs751885798, ClinGen allele CA396496955.